The following is an entry in ClinVar:

ClinVar aggregate classification (germline): Likely pathogenic (1 of 4 stars; one submission).

Conditions:
Ruzayqat's NCAM1 Related Neurological Disorders.

gnomAD v4.1: 26 of 1,562,300 alleles (0.0017%); highest among the groups gnomAD compares: Middle Eastern, 0.017%; no homozygotes.

Submission:

The Genome Center, Genome International
Classification: Likely pathogenic for Ruzayqat's NCAM1 Related Neurological Disorders. Last evaluated: 2023-04-03. Review status: criteria provided, single submitter. Criteria: ACMG Guidelines, 2015. Collection method: clinical testing. Allele origin: inherited. Inheritance: Autosomal recessive inheritance. Affected: yes. Observed: 16 heterozygotes, 7 homozygotes. Clinical features observed: Severe global developmental delay (HP:0011344), Infantile encephalopathy (HP:0007105), Metabolic acidosis (HP:0001942), Hyperammonemia (HP:0001987), Increased circulating lactate concentration (HP:0002151).
Comment: In this study, we comprehensively investigated the NCAM1 c.2443G>A (p.Val815Met) variant identified in a consanguineous family with a severe neurodevelopmental and metabolic phenotype by integrating molecular genetics, computational analysis, and clinical translation. Segregation analysis of affected and unaffected family members using targeted PCR and Sanger sequencing demonstrated autosomal recessive inheritance and complete co-segregation of the variant with disease. In silico pathogenicity prediction and evolutionary conservation analyses showed that the p.Val815Met substitution affects a highly conserved residue within the fibronectin type III (FNIII-2) domain and is consistently predicted to be deleterious, fulfilling supporting computational evidence for pathogenicity according to the American College of Medical Genetics and Genomics guidelines. PGD was achieved using single-cell biopsy at day 3, whole genome amplification, targeted PCR, Sanger sequencing, and rigorous allele dropout exclusion with informative STR markers. Collectively, these findings provide convergent genetic, computational, and clinical evidence that NCAM1 c.2443G>A (p.Val815Met) is a disease-causing variant that should be classified as Likely Pathogenic and demonstrate how integration of molecular diagnostics, bioinformatic tools, and preimplantation genetic diagnosis can elucidate gene function, define variant pathogenicity, and enable effective preventive medicine in reproductive health.

NM_181351.5(NCAM1):c.2365G>A (p.Val789Met)

Genes: NCAM1 (neural cell adhesion molecule 1; plus strand), NCAM1-AS1 (NCAM1 antisense RNA 1; minus strand). Cytogenetic location: 11q23.2.
Variant type: single nucleotide variant.
Coding change: c.2365G>A on transcript NM_181351.5 (MANE Select); coding-DNA position 2365, G replaced by A.
Protein change: p.Val789Met; replaces valine 789 with methionine.
Molecular consequence: missense variant.
Genome position (GRCh38, 1-based): chr11:113,271,785, G>A. VCF-style: chr11-113271785-G-A. GRCh37 (hg19) VCF-style: chr11-113142507-G-A.
Other names: c.2335G>A, p.Val779Met (NM_000615.7); c.2443G>A, p.Val815Met (NM_001242607.2); c.2362G>A, p.Val788Met (NM_001386290.1, NM_001400624.1); c.2332G>A, p.Val778Met (NM_001386292.1, NM_001400617.1, NM_001400622.1); c.1468G>A, p.Val490Met (NM_001400614.1, NM_001400619.1); c.2377G>A, p.Val793Met (NM_001400615.1); c.2440G>A, p.Val814Met (NM_001400616.1); c.2347G>A, p.Val783Met (NM_001400618.1, NM_001400620.1); and 2 more; short protein forms V490M, V778M, V779M, V783M, V788M, V789M, V793M, V813M.
Identifiers: ClinVar variation 4876705 (VCV004876705.1).